The following is an entry in ClinVar:

ClinVar aggregate classification (germline): Uncertain significance. Review status: criteria provided, multiple submitters, no conflicts (2 of 4 stars). 2 submissions from 2 submitters: Uncertain significance (2). Last evaluated 2025-06-07.

Conditions:
Inborn genetic diseases. Identifiers: MedGen C0950123, MeSH D030342.
Short-rib thoracic dysplasia 11 with or without polydactyly (SRTD11). Also called: SHORT-RIB THORACIC DYSPLASIA 11 WITHOUT POLYDACTYLY. Identifiers: Orphanet 474, Orphanet 93271, MedGen C3810200, MONDO:0014287, OMIM 615633.

gnomAD v4.1: 6 of 1,485,568 alleles (0.0004%); highest among the groups gnomAD compares: South Asian, 0.0063%; no homozygotes.

Submissions (2):

Ambry Genetics
Classification: Uncertain significance for Inborn genetic diseases. Last evaluated: 2025-06-07. Review status: criteria provided, single submitter. Criteria: Ambry Variant Classification Scheme 2023. Collection method: clinical testing. Allele origin: germline.

Labcorp Genetics (formerly Invitae), Labcorp
Classification: Uncertain significance for Short-rib thoracic dysplasia 11 with or without polydactyly. Last evaluated: 2022-03-12. Review status: criteria provided, single submitter. Criteria: Invitae Variant Classification Sherloc (09022015). Collection method: clinical testing. Allele origin: germline.
Comment: This sequence change replaces serine, which is neutral and polar, with phenylalanine, which is neutral and non-polar, at codon 47 of the WDR34 protein (p.Ser47Phe). This variant is not present in population databases (gnomAD no frequency). This variant has not been reported in the literature in individuals affected with WDR34-related conditions. Algorithms developed to predict the effect of missense changes on protein structure and function are either unavailable or do not agree on the potential impact of this missense change (SIFT: "Deleterious"; PolyPhen-2: "Possibly Damaging"; Align-GVGD: "Class C0"). In summary, the available evidence is currently insufficient to determine the role of this variant in disease. Therefore, it has been classified as a Variant of Uncertain Significance.

NM_052844.4(DYNC2I2):c.140C>T (p.Ser47Phe)

Gene: DYNC2I2 (dynein 2 intermediate chain 2; minus strand). Cytogenetic location: 9q34.11.
Variant type: single nucleotide variant.
Coding change: c.140C>T on transcript NM_052844.4 (MANE Select); coding-DNA position 140, C replaced by T.
Protein change: p.Ser47Phe; replaces serine 47 with phenylalanine.
Molecular consequence: missense variant.
Genome position (GRCh38, 1-based): chr9:128,656,587, G>A on the plus strand (C>T on the coding strand, the complement: DYNC2I2 is on the minus strand). VCF-style: chr9-128656587-G-A. GRCh37 (hg19) VCF-style: chr9-131418866-G-A.
Other names: c.140C>T (NM_052844.3); short protein forms S47F.
Identifiers: ClinVar variation 2109721 (VCV002109721.5), dbSNP rs1860830386, ClinGen allele CA375050849.